The following is an entry in ClinVar:

NM_002230.4(JUP):c.315G>T (p.Gln105His)

Gene: JUP (junction plakoglobin; minus strand). Cytogenetic location: 17q21.2.
Variant type: single nucleotide variant.
Coding change: c.315G>T on transcript NM_002230.4 (MANE Select); coding-DNA position 315, G replaced by T.
Protein change: p.Gln105His; replaces glutamine 105 with histidine.
Molecular consequence: missense variant.
Genome position (GRCh38, 1-based): chr17:41,769,571, C>A on the plus strand (G>T on the coding strand, the complement: JUP is on the minus strand). VCF-style: chr17-41769571-C-A. GRCh37 (hg19) VCF-style: chr17-39925823-C-A.
Other names: c.315G>T, p.Gln105His (NM_001352773.2, NM_001352774.2, NM_001352775.2 and 3 more transcripts); short protein forms Q105H.
Identifiers: ClinVar variation 2931810 (VCV002931810.3), dbSNP rs375489362, ClinGen allele CA399505513.

ClinVar aggregate classification (germline): Uncertain significance (1 of 4 stars; one submission).

Conditions:
Naxos disease (NXD). Also called: KERATOSIS PALMOPLANTARIS WITH ARRHYTHMOGENIC CARDIOMYOPATHY; MAL DE NAXOS; PALMOPLANTAR KERATODERMA WITH ARRHYTHMOGENIC RIGHT VENTRICULAR CARDIOMYOPATHY AND WOOLLY HAIR; WOOLLY HAIR, PALMOPLANTAR KERATODERMA, AND CARDIAC ABNORMALITIES; CARDIOMYOPATHY, ARRHYTHMOGENIC RIGHT VENTRICULAR, WITH SKIN, HAIR, AND NAIL ABNORMALITIES. Identifiers: Orphanet 34217, MedGen C1832600, MONDO:0011017, OMIM 601214.
Arrhythmogenic right ventricular dysplasia 12. Also called: ARRHYTHMOGENIC RIGHT VENTRICULAR DYSPLASIA, FAMILIAL, 12. Identifiers: MedGen C1969081, MONDO:0012684, OMIM 611528.

Submission:

Labcorp Genetics (formerly Invitae), Labcorp
Classification: Uncertain significance for Arrhythmogenic right ventricular dysplasia 12; Naxos disease. Last evaluated: 2023-06-19. Review status: criteria provided, single submitter. Criteria: Invitae Variant Classification Sherloc (09022015). Collection method: clinical testing. Allele origin: germline.
Comment: In summary, the available evidence is currently insufficient to determine the role of this variant in disease. Therefore, it has been classified as a Variant of Uncertain Significance. Algorithms developed to predict the effect of sequence changes on RNA splicing suggest that this variant may disrupt the consensus splice site. An algorithm developed to predict the effect of missense changes on protein structure and function (PolyPhen-2) suggests that this variant is likely to be tolerated. This variant has not been reported in the literature in individuals affected with JUP-related conditions. This variant is not present in population databases (gnomAD no frequency). This sequence change replaces glutamine, which is neutral and polar, with histidine, which is basic and polar, at codon 105 of the JUP protein (p.Gln105His).